The following is an entry in ClinVar:

NC_000009.12:g.(?_128613381)_(128613485_?)del

Gene: SPTAN1 (spectrin alpha, non-erythrocytic 1; plus strand). Cytogenetic location: 9q34.11.
Variant type: Deletion.
Identifiers: ClinVar variation 650187 (VCV000650187.7).

ClinVar aggregate classification (germline): Pathogenic (1 of 4 stars; one submission).

Conditions:
Developmental and epileptic encephalopathy. Identifiers: MedGen C5779964, MONDO:0100620.

Submission:

Labcorp Genetics (formerly Invitae), Labcorp
Classification: Pathogenic for Early-infantile DEE. Last evaluated: 2021-08-12. Review status: criteria provided, single submitter. Criteria: Invitae Variant Classification Sherloc (09022015). Collection method: clinical testing. Allele origin: germline.
Comment: This variant is a gross deletion of the genomic region encompassing exon(s) 40 of the SPTAN1 gene. This variant would be expected to be in-frame, preserving the integrity of the reading frame. A similar copy number variant has been observed in individual(s) with clinical features of distal hereditary motor neuropathy (Invitae). In at least one individual the variant was observed to be de novo. For these reasons, this variant has been classified as Pathogenic.